The following is an entry in ClinVar:

NM_006785.4(MALT1):c.1307C>G (p.Ser436Cys)

Gene: MALT1 (MALT1 paracaspase; plus strand). Cytogenetic location: 18q21.32.
Variant type: single nucleotide variant.
Coding change: c.1307C>G on transcript NM_006785.4 (MANE Select); coding-DNA position 1307, C replaced by G.
Protein change: p.Ser436Cys; replaces serine 436 with cysteine.
Molecular consequence: missense variant.
Genome position (GRCh38, 1-based): chr18:58,733,481, C>G. VCF-style: chr18-58733481-C-G. GRCh37 (hg19) VCF-style: chr18-56400713-C-G.
Other names: c.1274C>G, p.Ser425Cys (NM_173844.3); c.1307C>G (NM_006785.2); short protein forms S436C, S425C.
Identifiers: ClinVar variation 1906054 (VCV001906054.6), dbSNP rs2055182264, ClinGen allele CA402574642.
Genomic context (GRCh38, chr18:58,733,481, plus strand): 5'-GTTATGAAAATTTTGGGAACAGCTTCATGGTCCCCGTTGATGCTCCAAATCCATATAGGT[C>G]TGAAAATTGTCTGTGTGTACAAAATATACTGAAATTGATGCAAGAAAAAGAAACTGGACT-3'
Protein context (NP_006776.1, residues 426-446): VPVDAPNPYR[Ser436Cys]ENCLCVQNIL

ClinVar aggregate classification (germline): Uncertain significance. Review status: criteria provided, multiple submitters, no conflicts (2 of 4 stars). 2 submissions from 2 submitters: Uncertain significance (2). Last evaluated 2025-04-04.

Conditions:
Inborn genetic diseases. Identifiers: MedGen C0950123, MeSH D030342.
Combined immunodeficiency due to MALT1 deficiency. Also called: Immunodeficiency 12. Identifiers: Orphanet 397964, MedGen C3809583, MONDO:0014197, OMIM 615468.

Allele frequency attached by ClinVar (database versions not stated): TOPMed 0.00001.

Submissions (2):

Ambry Genetics
Classification: Uncertain significance for Inborn genetic diseases. Last evaluated: 2025-04-04. Review status: criteria provided, single submitter. Criteria: Ambry Variant Classification Scheme 2023. Collection method: clinical testing. Allele origin: germline.

Labcorp Genetics (formerly Invitae), Labcorp
Classification: Uncertain significance for Combined immunodeficiency due to MALT1 deficiency. Last evaluated: 2024-08-09. Review status: criteria provided, single submitter. Criteria: Invitae Variant Classification Sherloc (09022015). Collection method: clinical testing. Allele origin: germline.
Comment: This sequence change replaces serine, which is neutral and polar, with cysteine, which is neutral and slightly polar, at codon 436 of the MALT1 protein (p.Ser436Cys). This variant is not present in population databases (gnomAD no frequency). This variant has not been reported in the literature in individuals affected with MALT1-related conditions. ClinVar contains an entry for this variant (Variation ID: 1906054). Advanced modeling of protein sequence and biophysical properties (such as structural, functional, and spatial information, amino acid conservation, physicochemical variation, residue mobility, and thermodynamic stability) performed at Invitae indicates that this missense variant is not expected to disrupt MALT1 protein function with a negative predictive value of 80%. In summary, the available evidence is currently insufficient to determine the role of this variant in disease. Therefore, it has been classified as a Variant of Uncertain Significance.